The following is an entry in ClinVar:

ClinVar aggregate classification (germline): Pathogenic/Likely pathogenic. Review status: criteria provided, multiple submitters, no conflicts (2 of 4 stars). 4 submissions from 4 submitters: Pathogenic (2); Likely pathogenic (1). 1 of the submissions does not count toward it. Last evaluated 2023-05-15.

Conditions:
Usher syndrome type 1G. Also called: USHER SYNDROME, TYPE IG, MILD. Identifiers: Orphanet 231169, Orphanet 886, MedGen C1847089, MONDO:0011748, OMIM 606943.

Submissions (4):

Labcorp Genetics (formerly Invitae), Labcorp
Classification: Pathogenic. Last evaluated: 2023-05-15. Review status: criteria provided, single submitter. Criteria: Invitae Variant Classification Sherloc (09022015). Collection method: clinical testing. Allele origin: germline.
Comment: ClinVar contains an entry for this variant (Variation ID: 287391). For these reasons, this variant has been classified as Pathogenic. This sequence change creates a premature translational stop signal (p.Lys438Argfs*6) in the USH1G gene. It is expected to result in an absent or disrupted protein product. Loss-of-function variants in USH1G are known to be pathogenic (PMID: 12588794, 22219650). This variant is not present in population databases (gnomAD no frequency). This premature translational stop signal has been observed in individual(s) with USH1G-related conditions (PMID: 28944237).

GeneDx
Classification: Pathogenic. Last evaluated: 2022-02-23. Review status: criteria provided, single submitter. Criteria: GeneDx Variant Classification Process June 2021. Collection method: clinical testing. Allele origin: germline. Affected: yes.
Comment: Frameshift variant in the C-terminus predicted to result in protein truncation, as the last 24 amino acids are lost and replaced with 5 incorrect amino acids (HGMD); Not observed in large population cohorts (gnomAD); This variant is associated with the following publications: (PMID: 28944237)

Eurofins Ntd Llc (ga)
Classification: Likely pathogenic. Last evaluated: 2016-05-04. Review status: criteria provided, single submitter. Criteria: EGL Classification Definitions 2015. Collection method: clinical testing. Allele origin: germline. Observed: 2 variant alleles, 2 homozygotes.

Biochemical Molecular Genetic Laboratory, King Abdulaziz Medical City
Classification: Likely pathogenic for Usher syndrome type 1G. Last evaluated: 2019-09-26. Review status: no assertion criteria provided. Collection method: clinical testing. Allele origin: germline. Affected: yes. Not counted in ClinVar's aggregate classification.

Literature cited by the submitters: PubMed 12588794 (cited by Labcorp Genetics (formerly Invitae), Labcorp); PubMed 22219650 (cited by Labcorp Genetics (formerly Invitae), Labcorp); PubMed 28944237 (cited by Labcorp Genetics (formerly Invitae), Labcorp).

NM_173477.5(USH1G):c.1311del (p.Lys438fs)

Genes: USH1G (USH1 protein network component sans; minus strand), LOC130061627 (ATAC-STARR-seq lymphoblastoid active region 12722; plus strand). Cytogenetic location: 17q25.1.
Variant type: Deletion.
Coding change: c.1311del on transcript NM_173477.5 (MANE Select); coding-DNA position 1311, one base deleted (G; older notation c.1311delG).
Protein change: p.Lys438fs; shifts the reading frame from lysine 438.
Molecular consequence: frameshift variant.
Genome position (GRCh38, 1-based): chr17:74,919,525, C deleted on the plus strand (G on the coding strand, the reverse complement: USH1G is on the minus strand). VCF-style (leftmost placement, unchanged base first): chr17-74919524-TC-T. GRCh37 (hg19) VCF-style: chr17-72915619-TC-T.
Other names: c.1002del, p.Lys335fs (NM_001282489.3); c.1311delG (NM_173477.2); short protein forms K335fs, K438fs.
Identifiers: ClinVar variation 287391 (VCV000287391.14), dbSNP rs886043626, ClinGen allele CA10605752.